The following is an entry in ClinVar:

NM_022166.4(XYLT1):c.1445G>A (p.Arg482Gln)

Gene: XYLT1 (xylosyltransferase 1; minus strand). Cytogenetic location: 16p12.3.
Variant type: single nucleotide variant.
Coding change: c.1445G>A on transcript NM_022166.4 (MANE Select); coding-DNA position 1445, G replaced by A.
Protein change: p.Arg482Gln; replaces arginine 482 with glutamine.
Molecular consequence: missense variant.
Genome position (GRCh38, 1-based): chr16:17,141,295, C>T on the plus strand (G>A on the coding strand, the complement: XYLT1 is on the minus strand). VCF-style: chr16-17141295-C-T. GRCh37 (hg19) VCF-style: chr16-17235152-C-T.
Other names: c.1445G>A (NM_022166.3); short protein forms R482Q.
Identifiers: ClinVar variation 1514483 (VCV001514483.4), dbSNP rs571451998, ClinGen allele CA7927900.

ClinVar aggregate classification (germline): Uncertain significance. Review status: criteria provided, multiple submitters, no conflicts (2 of 4 stars). 2 submissions from 2 submitters: Uncertain significance (2). Last evaluated 2024-02-05.

Conditions:
Desbuquois dysplasia 1 (DBQD1). Also called: DESBUQUOIS DYSPLASIA 1, KIM VARIANT; MICROMELIC DWARFISM WITH VERTEBRAL AND METAPHYSEAL ABNORMALITIES AND ADVANCED CARPOTARSAL OSSIFICATION. Identifiers: Orphanet 1425, MedGen C4012146, MONDO:0009629, OMIM 251450.
Inborn genetic diseases. Identifiers: MedGen C0950123, MeSH D030342.

Allele frequency attached by ClinVar (database versions not stated): gnomAD exomes 0.00001 and 0.00003; ExAC 0.00002; gnomAD 0.00002 and 0.00003; TOPMed 0.00002; 1000 Genomes Project 30x 0.00016; 1000 Genomes Project 0.00020.
gnomAD v4.1: 23 of 1,614,168 alleles (0.0014%); highest among the groups gnomAD compares: East Asian, 0.011%; no homozygotes.

Submissions (2):

Ambry Genetics
Classification: Uncertain significance for Inborn genetic diseases. Last evaluated: 2024-02-05. Review status: criteria provided, single submitter. Criteria: Ambry Variant Classification Scheme 2023. Collection method: clinical testing. Allele origin: germline.

Labcorp Genetics (formerly Invitae), Labcorp
Classification: Uncertain significance for Desbuquois dysplasia 1. Last evaluated: 2022-03-03. Review status: criteria provided, single submitter. Criteria: Invitae Variant Classification Sherloc (09022015). Collection method: clinical testing. Allele origin: germline.
Comment: This sequence change replaces arginine, which is basic and polar, with glutamine, which is neutral and polar, at codon 482 of the XYLT1 protein (p.Arg482Gln). This variant is present in population databases (rs571451998, gnomAD 0.02%). This variant has not been reported in the literature in individuals affected with XYLT1-related conditions. Algorithms developed to predict the effect of missense changes on protein structure and function are either unavailable or do not agree on the potential impact of this missense change (SIFT: "Tolerated"; PolyPhen-2: "Possibly Damaging"; Align-GVGD: "Class C0"). In summary, the available evidence is currently insufficient to determine the role of this variant in disease. Therefore, it has been classified as a Variant of Uncertain Significance.